The following is an entry in ClinVar:

NM_001083962.2(TCF4):c.1789C>G (p.Leu597Val)

Gene: TCF4 (transcription factor 4; minus strand). Cytogenetic location: 18q21.2.
Variant type: single nucleotide variant.
Coding change: c.1789C>G on transcript NM_001083962.2 (MANE Select); coding-DNA position 1789, C replaced by G.
Protein change: p.Leu597Val; replaces leucine 597 with valine.
Molecular consequence: missense variant.
Genome position (GRCh38, 1-based): chr18:55,228,937, G>C on the plus strand (C>G on the coding strand, the complement: TCF4 is on the minus strand). VCF-style: chr18-55228937-G-C. GRCh37 (hg19) VCF-style: chr18-52896168-G-C.
Other names: c.2095C>G, p.Leu699Val (NM_001243226.3); c.1717C>G, p.Leu573Val (NM_001243227.2, NM_001348217.1, NM_001348218.2 and 1 more transcripts); c.1807C>G, p.Leu603Val (NM_001243228.2); c.1768C>G, p.Leu590Val (NM_001243230.2); c.1651C>G, p.Leu551Val (NM_001243231.2); c.1576C>G, p.Leu526Val (NM_001243232.1); c.1387C>G, p.Leu463Val (NM_001243233.2, NM_001348212.2); c.1309C>G, p.Leu437Val (NM_001243234.2, NM_001348216.2); and 14 more; short protein forms L381V, L432V, L433V, L437V, L463V, L467V, L522V, L526V.
Identifiers: ClinVar variation 2501520 (VCV002501520.1), dbSNP rs2511497562, ClinGen allele CA402528741.

ClinVar aggregate classification (germline): Uncertain significance (1 of 4 stars; one submission).

Allele frequency attached by ClinVar (database versions not stated): gnomAD exomes below 0.00001.
gnomAD v4.1: 1 of 1,614,154 alleles (0.000062%); highest among the groups gnomAD compares: Non-Finnish European, 0.000085%; no homozygotes.

Submission:

GeneDx
Classification: Uncertain significance. Last evaluated: 2022-11-07. Review status: criteria provided, single submitter. Criteria: GeneDx Variant Classification Process June 2021. Collection method: clinical testing. Allele origin: germline. Affected: yes.
Comment: Not observed at significant frequency in large population cohorts (gnomAD); In silico analysis supports that this missense variant has a deleterious effect on protein structure/function; Has not been previously published as pathogenic or benign to our knowledge